The following is an entry in ClinVar:

NM_032119.4(ADGRV1):c.220G>A (p.Asp74Asn)

Gene: ADGRV1 (adhesion G protein-coupled receptor V1; plus strand). Cytogenetic location: 5q14.3.
Variant type: single nucleotide variant.
Coding change: c.220G>A on transcript NM_032119.4 (MANE Select); coding-DNA position 220, G replaced by A.
Protein change: p.Asp74Asn; replaces aspartic acid 74 with asparagine.
Molecular consequence: missense variant. On other transcripts: non-coding transcript variant (1).
Genome position (GRCh38, 1-based): chr5:90,617,816, G>A. VCF-style: chr5-90617816-G-A. GRCh37 (hg19) VCF-style: chr5-89913633-G-A.
Other names: c.220G>A (NM_032119.3); short protein forms D74N.
Identifiers: ClinVar variation 1472228 (VCV001472228.5), dbSNP rs780750634, ClinGen allele CA3338417.

ClinVar aggregate classification (germline): Uncertain significance. Review status: criteria provided, multiple submitters, no conflicts (2 of 4 stars). 2 submissions from 2 submitters: Uncertain significance (2). Last evaluated 2024-05-06.

Conditions:
Inborn genetic diseases. Identifiers: MedGen C0950123, MeSH D030342.

Allele frequency attached by ClinVar (database versions not stated): gnomAD 0.00001; gnomAD exomes 0.00001 and 0.00003; TOPMed 0.00001.
gnomAD v4.1: 39 of 1,595,584 alleles (0.0024%); highest among the groups gnomAD compares: Non-Finnish European, 0.0032%; no homozygotes.

Submissions (2):

Labcorp Genetics (formerly Invitae), Labcorp
Classification: Uncertain significance. Last evaluated: 2024-05-06. Review status: criteria provided, single submitter. Criteria: Invitae Variant Classification Sherloc (09022015). Collection method: clinical testing. Allele origin: germline.
Comment: This sequence change replaces aspartic acid, which is acidic and polar, with asparagine, which is neutral and polar, at codon 74 of the ADGRV1 protein (p.Asp74Asn). This variant is present in population databases (rs780750634, gnomAD 0.002%). This variant has not been reported in the literature in individuals affected with ADGRV1-related conditions. ClinVar contains an entry for this variant (Variation ID: 1472228). Advanced modeling of protein sequence and biophysical properties (such as structural, functional, and spatial information, amino acid conservation, physicochemical variation, residue mobility, and thermodynamic stability) performed at Invitae indicates that this missense variant is not expected to disrupt ADGRV1 protein function with a negative predictive value of 95%. In summary, the available evidence is currently insufficient to determine the role of this variant in disease. Therefore, it has been classified as a Variant of Uncertain Significance.

Ambry Genetics
Classification: Uncertain significance for Inborn genetic diseases. Last evaluated: 2022-06-10. Review status: criteria provided, single submitter. Criteria: Ambry Variant Classification Scheme 2023. Collection method: clinical testing. Allele origin: germline.